The following is an entry in ClinVar:

NM_133372.3(FNIP1):c.290C>A (p.Ser97Tyr)

Gene: FNIP1 (folliculin interacting protein 1; minus strand). Cytogenetic location: 5q31.1.
Variant type: single nucleotide variant.
Coding change: c.290C>A on transcript NM_133372.3 (MANE Select); coding-DNA position 290, C replaced by A.
Protein change: p.Ser97Tyr; replaces serine 97 with tyrosine.
Molecular consequence: missense variant. On other transcripts: intron variant (1).
Genome position (GRCh38, 1-based): chr5:131,730,968, G>T on the plus strand (C>A on the coding strand, the complement: FNIP1 is on the minus strand). VCF-style: chr5-131730968-G-T. GRCh37 (hg19) VCF-style: chr5-131066661-G-T.
Other names: c.290C>A, p.Ser97Tyr (NM_001008738.3, NM_001346113.2); c.220-11551C>A (NM_001346114.2); short protein forms S97Y.
Identifiers: ClinVar variation 2964459 (VCV002964459.2), dbSNP rs200251861, ClinGen allele CA127834639.
Genomic context (GRCh38, chr5:131,730,968, plus strand): 5'-TACTTAAGACACTGGTCTTTTATATCAGAAGATGAAGTCACAGAACTATCTAAAGAGGAA[G>T]AACTGTCTCCTCCAGGTTTCAGTTGGCAGCATTTCCCAAAGACTTTAACTTGAGCATCAC-3'
Protein context (NP_588613.3, residues 87-107): CCQLKPGGDS[Ser97Tyr]SSLDSSVTSS

ClinVar aggregate classification (germline): Uncertain significance (1 of 4 stars; one submission).

Allele frequency attached by ClinVar (database versions not stated): gnomAD exomes 0.00001; gnomAD 0.00003; TOPMed 0.00003.
gnomAD v4.1: 15 of 1,612,368 alleles (0.00093%); highest among the groups gnomAD compares: Non-Finnish European, 0.00017%; no homozygotes.

Submission:

Labcorp Genetics (formerly Invitae), Labcorp
Classification: Uncertain significance. Last evaluated: 2023-07-22. Review status: criteria provided, single submitter. Criteria: Invitae Variant Classification Sherloc (09022015). Collection method: clinical testing. Allele origin: germline.
Comment: This variant has not been reported in the literature in individuals affected with FNIP1-related conditions. In summary, the available evidence is currently insufficient to determine the role of this variant in disease. Therefore, it has been classified as a Variant of Uncertain Significance. An algorithm developed to predict the effect of missense changes on protein structure and function (PolyPhen-2) suggests that this variant is likely to be disruptive. This variant is present in population databases (rs200251861, gnomAD 0.0009%). This sequence change replaces serine, which is neutral and polar, with tyrosine, which is neutral and polar, at codon 97 of the FNIP1 protein (p.Ser97Tyr).